The following is an entry in ClinVar:

ClinVar aggregate classification (germline): Uncertain significance. Review status: criteria provided, multiple submitters, no conflicts (2 of 4 stars). 4 submissions from 4 submitters: Uncertain significance (4). Last evaluated 2026-06-01.

Conditions:
Hypertrophic cardiomyopathy. Also called: HYPERTROPHIC MYOCARDIOPATHY. Identifiers: Orphanet 217569, MedGen C0007194, MeSH D002312, MONDO:0005045, HP:0001639.
Cardiomyopathy (CMYO). Also called: Cardiomyopathies. Identifiers: Orphanet 167848, MedGen C0878544, MONDO:0004994, HP:0001638. Inheritance: Various modes of inheritance.

Allele frequency attached by ClinVar (database versions not stated): gnomAD exomes 0.00001; ExAC 0.00003.
gnomAD v4.1: 8 of 1,596,422 alleles (0.0005%); highest among the groups gnomAD compares: Middle Eastern, 0.022%; no homozygotes.

Submissions (4):

CeGaT Center for Human Genetics Tuebingen
Classification: Uncertain significance. Last evaluated: 2026-06-01. Review status: criteria provided, single submitter. Criteria: CeGaT Center For Human Genetics Tuebingen Variant Classification Criteria Version 2. Collection method: clinical testing. Allele origin: germline. Affected: yes. Observed: 1 variant allele.
Comment: MYH7: PM2

Labcorp Genetics (formerly Invitae), Labcorp
Classification: Uncertain significance for Hypertrophic cardiomyopathy. Last evaluated: 2025-05-19. Review status: criteria provided, single submitter. Criteria: Invitae Variant Classification Sherloc (09022015). Collection method: clinical testing. Allele origin: germline.
Comment: This sequence change replaces alanine, which is neutral and non-polar, with threonine, which is neutral and polar, at codon 1191 of the MYH7 protein (p.Ala1191Thr). This variant is present in population databases (rs774151903, gnomAD 0.003%). This variant has not been reported in the literature in individuals affected with MYH7-related conditions. ClinVar contains an entry for this variant (Variation ID: 2080387). Invitae Evidence Modeling of protein sequence and biophysical properties (such as structural, functional, and spatial information, amino acid conservation, physicochemical variation, residue mobility, and thermodynamic stability) indicates that this missense variant is not expected to disrupt MYH7 protein function with a negative predictive value of 95%. In summary, the available evidence is currently insufficient to determine the role of this variant in disease. Therefore, it has been classified as a Variant of Uncertain Significance.

Blueprint Genetics
Classification: Uncertain significance. Last evaluated: 2024-06-25. Review status: criteria provided, single submitter. Criteria: ACMG Guidelines, 2015. Collection method: clinical testing. Allele origin: germline.

All of Us Research Program, National Institutes of Health
Classification: Uncertain significance for Cardiomyopathy. Last evaluated: 2023-03-04. Review status: criteria provided, single submitter. Criteria: ACMG Guidelines, 2015. Collection method: clinical testing. Allele origin: germline. Inheritance: Autosomal dominant inheritance. Observed: 1 variant allele, 1 heterozygote.
Comment: This study involves interpretation of variants in research participants for the purpose of population health screening. Participant phenotype was not available at the time of variant classification. Additional details can be found in publication PMID: 35346344, PMCID: PMC8962531

NM_000257.4(MYH7):c.3571G>A (p.Ala1191Thr)

Gene: MYH7 (myosin heavy chain 7; minus strand). Cytogenetic location: 14q11.2.
Variant type: single nucleotide variant.
Coding change: c.3571G>A on transcript NM_000257.4 (MANE Select); coding-DNA position 3571, G replaced by A.
Protein change: p.Ala1191Thr; replaces alanine 1191 with threonine.
Molecular consequence: missense variant.
Genome position (GRCh38, 1-based): chr14:23,420,000, C>T on the plus strand (G>A on the coding strand, the complement: MYH7 is on the minus strand). VCF-style: chr14-23420000-C-T. GRCh37 (hg19) VCF-style: chr14-23889209-C-T.
Other names: c.3571G>A, p.Ala1191Thr (NM_001407004.1); short protein forms A1191T.
Identifiers: ClinVar variation 2080387 (VCV002080387.7), dbSNP rs774151903, ClinGen allele CA037869.
Genomic context (GRCh38, chr14:23,420,000, plus strand): 5'-GCAGGTTGTCGATCTGCTCGCCCAGCTCGGCCACGCTGTCGGCGTGCTTCTTGCGCAGGG[C>T]CGCGGCAGTGGCCTCGTGCTGCAGCGTGGCCTCCTCCAGGTCCCGCCGCATCTTCTGGAA-3'
Protein context (NP_000248.2, residues 1181-1201): ATLQHEATAA[Ala1191Thr]LRKKHADSVA